The following is an entry in ClinVar:

ClinVar aggregate classification (germline): Uncertain significance (1 of 4 stars; one submission).

Conditions:
Familial hypobetalipoproteinemia 1. Also called: Hypobetalipoproteinemia, normotriglyceridemic; Acanthocytosis with hypobetalipoproteinemia; APOB-Related Familial Hypobetalipoproteinemia. Identifiers: MedGen C4551990, MONDO:0014252, OMIM 615558.
Hypercholesterolemia, autosomal dominant, type B (FHCL2). Also called: APOB-Related Familial Hypercholesterolemia, Autosomal Dominant; Familial Hypercholesterolemia Type B; APOLIPOPROTEIN B-100, FAMILIAL DEFECTIVE; APOLIPOPROTEIN B-100, FAMILIAL LIGAND-DEFECTIVE; HYPERCHOLESTEROLEMIA, FAMILIAL, DUE TO LIGAND-DEFECTIVE APOLIPOPROTEIN B; Familial hypercholesterolemia 2. Identifiers: MedGen C1704417, MONDO:0007751, OMIM 144010.

gnomAD v4.1: 10 of 1,602,938 alleles (0.00062%); highest among the groups gnomAD compares: Middle Eastern, 0.033%; no homozygotes.

Submission:

Labcorp Genetics (formerly Invitae), Labcorp
Classification: Uncertain significance for Familial hypobetalipoproteinemia 1; Hypercholesterolemia, autosomal dominant, type B. Last evaluated: 2024-04-03. Review status: criteria provided, single submitter. Criteria: Invitae Variant Classification Sherloc (09022015). Collection method: clinical testing. Allele origin: germline.
Comment: This sequence change falls in intron 14 of the APOB gene. It does not directly change the encoded amino acid sequence of the APOB protein. It affects a nucleotide within the consensus splice site. This variant is not present in population databases (gnomAD no frequency). This variant has not been reported in the literature in individuals affected with APOB-related conditions. Variants that disrupt the consensus splice site are a relatively common cause of aberrant splicing (PMID: 17576681, 9536098). Algorithms developed to predict the effect of sequence changes on RNA splicing suggest that this variant is not likely to affect RNA splicing. In summary, the available evidence is currently insufficient to determine the role of this variant in disease. Therefore, it has been classified as a Variant of Uncertain Significance.

Literature cited by the submitters: PubMed 17576681; PubMed 9536098.

NM_000384.3(APOB):c.2067+6T>C

Gene: APOB (apolipoprotein B; minus strand). Cytogenetic location: 2p24.1.
Variant type: single nucleotide variant.
Coding change: c.2067+6T>C on transcript NM_000384.3 (MANE Select); 6 bases into the intron after coding-DNA position 2067, T replaced by C.
Molecular consequence: intron variant.
Genome position (GRCh38, 1-based): chr2:21,027,822, A>G on the plus strand (T>C on the coding strand, the complement: APOB is on the minus strand). VCF-style: chr2-21027822-A-G. GRCh37 (hg19) VCF-style: chr2-21250694-A-G.
Identifiers: ClinVar variation 3762874 (VCV003762874.2).